The following is an entry in ClinVar:

NM_007186.6(CEP250):c.5431G>A (p.Ala1811Thr)

Gene: CEP250 (centrosomal protein 250; plus strand). Cytogenetic location: 20q11.22.
Variant type: single nucleotide variant.
Coding change: c.5431G>A on transcript NM_007186.6 (MANE Select); coding-DNA position 5431, G replaced by A.
Protein change: p.Ala1811Thr; replaces alanine 1811 with threonine.
Molecular consequence: missense variant.
Genome position (GRCh38, 1-based): chr20:35,503,800, G>A. VCF-style: chr20-35503800-G-A. GRCh37 (hg19) VCF-style: chr20-34091628-G-A.
Other names: c.3535G>A, p.Ala1179Thr (NM_001318219.1); short protein forms A1811T, A1179T.
Identifiers: ClinVar variation 1931331 (VCV001931331.5), dbSNP rs767284222, ClinGen allele CA9833874.

ClinVar aggregate classification (germline): Uncertain significance (1 of 4 stars; one submission).

Allele frequency attached by ClinVar (database versions not stated): gnomAD exomes below 0.00001; ExAC 0.00001.
gnomAD v4.1: 2 of 1,613,916 alleles (0.00012%); highest among the groups gnomAD compares: Admixed American, 0.0017%; no homozygotes.

Submission:

Labcorp Genetics (formerly Invitae), Labcorp
Classification: Uncertain significance. Last evaluated: 2022-02-28. Review status: criteria provided, single submitter. Criteria: Invitae Variant Classification Sherloc (09022015). Collection method: clinical testing. Allele origin: germline.
Comment: In summary, the available evidence is currently insufficient to determine the role of this variant in disease. Therefore, it has been classified as a Variant of Uncertain Significance. Algorithms developed to predict the effect of missense changes on protein structure and function output the following: SIFT: "Not Available"; PolyPhen-2: "Benign"; Align-GVGD: "Not Available". The threonine amino acid residue is found in multiple mammalian species, which suggests that this missense change does not adversely affect protein function. This variant has not been reported in the literature in individuals affected with CEP250-related conditions. This variant is present in population databases (rs767284222, gnomAD 0.003%). This sequence change replaces alanine, which is neutral and non-polar, with threonine, which is neutral and polar, at codon 1811 of the CEP250 protein (p.Ala1811Thr).